The following is an entry in ClinVar:

ClinVar aggregate classification (germline): Uncertain significance (1 of 4 stars; one submission).

gnomAD v4.1: 1 of 1,611,620 alleles (0.000062%); highest among the groups gnomAD compares: Non-Finnish European, 0.000085%; no homozygotes.

Submission:

Labcorp Genetics (formerly Invitae), Labcorp
Classification: Uncertain significance. Last evaluated: 2025-10-09. Review status: criteria provided, single submitter. Criteria: Invitae Variant Classification Sherloc (09022015). Collection method: clinical testing. Allele origin: germline.
Comment: This sequence change replaces arginine, which is basic and polar, with cysteine, which is neutral and slightly polar, at codon 28 of the CYP2R1 protein (p.Arg28Cys). This variant is not present in population databases (gnomAD no frequency). This variant has not been reported in the literature in individuals affected with CYP2R1-related conditions. An algorithm developed to predict the effect of missense changes on protein structure and function (PolyPhen-2) suggests that this variant is likely to be disruptive. In summary, the available evidence is currently insufficient to determine the role of this variant in disease. Therefore, it has been classified as a Variant of Uncertain Significance.

NM_024514.5(CYP2R1):c.82C>T (p.Arg28Cys)

Genes: CYP2R1 (cytochrome P450 family 2 subfamily R member 1; minus strand), PDE3B (phosphodiesterase 3B; plus strand). Cytogenetic location: 11p15.2.
Variant type: single nucleotide variant.
Coding change: c.82C>T on transcript NM_024514.5 (MANE Select); coding-DNA position 82, C replaced by T.
Protein change: p.Arg28Cys; replaces arginine 28 with cysteine.
Molecular consequence: missense variant. On other transcripts: intron variant (3).
Genome position (GRCh38, 1-based): chr11:14,892,124, G>A on the plus strand (C>T on the coding strand, the complement: CYP2R1 is on the minus strand). VCF-style: chr11-14892124-G-A. GRCh37 (hg19) VCF-style: chr11-14913670-G-A.
Other names: c.2887-6821G>A (NM_001429700.1); c.2887-6832G>A (NM_001429699.1); c.-121+241C>T (NM_001400558.1); short protein forms R28C.
Identifiers: ClinVar variation 4703915 (VCV004703915.1).